The following is an entry in ClinVar:

ClinVar aggregate classification (germline): Uncertain significance. Review status: criteria provided, multiple submitters, no conflicts (2 of 4 stars). 3 submissions from 3 submitters: Uncertain significance (3). Last evaluated 2025-10-16.

Conditions:
Spastic paraplegia. Identifiers: MedGen C0037772, HP:0001258.

Allele frequency attached by ClinVar (database versions not stated): ExAC 0.00001; gnomAD exomes 0.00001; TOPMed 0.00001; ESP Exome Variant Server 0.00008.
gnomAD v4.1: 3 of 1,611,930 alleles (0.00019%); highest among the groups gnomAD compares: Non-Finnish European, 0.00025%; no homozygotes.

Submissions (3):

Labcorp Genetics (formerly Invitae), Labcorp
Classification: Uncertain significance for Spastic paraplegia. Last evaluated: 2025-10-16. Review status: criteria provided, single submitter. Criteria: Invitae Variant Classification Sherloc (09022015). Collection method: clinical testing. Allele origin: germline.
Comment: This sequence change replaces alanine, which is neutral and non-polar, with serine, which is neutral and polar, at codon 476 of the HSPD1 protein (p.Ala476Ser). This variant is present in population databases (rs375600770, gnomAD 0.002%). This variant has not been reported in the literature in individuals affected with HSPD1-related conditions. ClinVar contains an entry for this variant (Variation ID: 445865). Invitae Evidence Modeling of protein sequence and biophysical properties (such as structural, functional, and spatial information, amino acid conservation, physicochemical variation, residue mobility, and thermodynamic stability) indicates that this missense variant is not expected to disrupt HSPD1 protein function with a negative predictive value of 80%. In summary, the available evidence is currently insufficient to determine the role of this variant in disease. Therefore, it has been classified as a Variant of Uncertain Significance.

Athena Diagnostics
Classification: Uncertain significance. Last evaluated: 2022-06-28. Review status: criteria provided, single submitter. Criteria: Athena Diagnostics Criteria. Collection method: clinical testing. Allele origin: unknown.

Center for Pediatric Genomic Medicine, Children's Mercy Hospital and Clinics
Classification: Uncertain significance. Last evaluated: 2017-09-05. Review status: criteria provided, single submitter. Criteria: ACMG Guidelines, 2015. Collection method: clinical testing. Allele origin: germline.

NM_002156.5(HSPD1):c.1426G>T (p.Ala476Ser)

Gene: HSPD1 (heat shock protein family D (Hsp60) member 1; minus strand). Cytogenetic location: 2q33.1.
Variant type: single nucleotide variant.
Coding change: c.1426G>T on transcript NM_002156.5 (MANE Select); coding-DNA position 1426, G replaced by T.
Protein change: p.Ala476Ser; replaces alanine 476 with serine.
Molecular consequence: missense variant.
Genome position (GRCh38, 1-based): chr2:197,488,001, C>A on the plus strand (G>T on the coding strand, the complement: HSPD1 is on the minus strand). VCF-style: chr2-197488001-C-A. GRCh37 (hg19) VCF-style: chr2-198352725-C-A.
Other names: c.1426G>T, p.Ala476Ser (NM_199440.2); short protein forms A476S.
Identifiers: ClinVar variation 445865 (VCV000445865.4), dbSNP rs375600770, ClinGen allele CA2043364.